The following is an entry in ClinVar:

ClinVar aggregate classification (germline): Uncertain significance (1 of 4 stars; one submission).

Conditions:
Dilated cardiomyopathy 1G (CMD1G). Identifiers: Orphanet 154, MedGen C1858763, MONDO:0011400, OMIM 604145.

gnomAD v4.1: 3 of 1,582,446 alleles (0.00019%); highest among the groups gnomAD compares: African/African-American, 0.0027%; no homozygotes.

Submission:

IMHOTEP Cardiovascular Genetics Laboratory, University of Cape Town
Classification: Uncertain significance for Dilated cardiomyopathy 1G. Last evaluated: 2025-07-14. Review status: criteria provided, single submitter. Criteria: ACMG Guidelines, 2015. Collection method: research. Allele origin: germline. Inheritance: Autosomal unknown. Affected: yes.
Comment: Using ACMG/AMP PM1; BP4 and BP7 criteria, the classification of this variant is "Uncertain Significance".

NM_001267550.2(TTN):c.10661T>A (p.Leu3554His)

Gene: TTN (titin; minus strand). Cytogenetic location: 2q31.2.
Variant type: single nucleotide variant.
Coding change: c.10661T>A on transcript NM_001267550.2 (MANE Select); coding-DNA position 10661, T replaced by A.
Protein change: p.Leu3554His; replaces leucine 3554 with histidine.
Molecular consequence: missense variant. On other transcripts: intron variant (5).
Genome position (GRCh38, 1-based): chr2:178,757,559, A>T on the plus strand (T>A on the coding strand, the complement: TTN is on the minus strand). VCF-style: chr2-178757559-A-T. GRCh37 (hg19) VCF-style: chr2-179622286-A-T.
Other names: c.10523T>A, p.Leu3508His (NM_133432.3); c.10165+1425T>A (NM_003319.4); c.10166-762T>A (NM_133437.4); c.10303+1425T>A (NM_133378.4, NM_001256850.1, NM_133379.5); short protein forms L3508H, L3554H.
Identifiers: ClinVar variation 4072370 (VCV004072370.1).